The following is an entry in ClinVar:

NM_024675.4(PALB2):c.482A>G (p.Asp161Gly)

Gene: PALB2 (partner and localizer of BRCA2; minus strand). Cytogenetic location: 16p12.2.
Variant type: single nucleotide variant.
Coding change: c.482A>G on transcript NM_024675.4 (MANE Select); coding-DNA position 482, A replaced by G.
Protein change: p.Asp161Gly; replaces aspartic acid 161 with glycine.
Molecular consequence: missense variant.
Genome position (GRCh38, 1-based): chr16:23,636,064, T>C on the plus strand (A>G on the coding strand, the complement: PALB2 is on the minus strand). VCF-style: chr16-23636064-T-C. GRCh37 (hg19) VCF-style: chr16-23647385-T-C.
Other names: short protein forms D161G.
Identifiers: ClinVar variation 630688 (VCV000630688.5), dbSNP rs748042783, ClinGen allele CA395137106.

ClinVar aggregate classification (germline): Uncertain significance (1 of 4 stars; one submission).

Conditions:
Hereditary cancer-predisposing syndrome. Also called: Tumor predisposition; Neoplastic Syndromes, Hereditary; Hereditary neoplastic syndrome; Hereditary Cancer Syndrome. Identifiers: Orphanet 140162, MedGen C0027672, MeSH D009386, MONDO:0015356.

Submission:

Color Diagnostics, LLC DBA Color Health
Classification: Uncertain significance for Hereditary cancer-predisposing syndrome. Last evaluated: 2023-12-05. Review status: criteria provided, single submitter. Criteria: ACMG Guidelines, 2015. Collection method: clinical testing. Allele origin: germline.
Comment: This missense variant replaces aspartic acid with glycine at codon 161 of the PALB2 protein. Computational prediction suggests that this variant may not impact protein structure and function (internally defined REVEL score threshold <= 0.5, PMID: 27666373). To our knowledge, functional studies have not been reported for this variant. This variant has not been reported in individuals affected with PALB2-related disorders in the literature. This variant has not been identified in the general population by the Genome Aggregation Database (gnomAD). The available evidence is insufficient to determine the role of this variant in disease conclusively. Therefore, this variant is classified as a Variant of Uncertain Significance.